The following is an entry in ClinVar:

NM_002691.4(POLD1):c.1522C>G (p.Leu508Val)

Gene: POLD1 (DNA polymerase delta 1, catalytic subunit; plus strand). Cytogenetic location: 19q13.33.
Variant type: single nucleotide variant.
Coding change: c.1522C>G on transcript NM_002691.4 (MANE Select); coding-DNA position 1522, C replaced by G.
Protein change: p.Leu508Val; replaces leucine 508 with valine.
Molecular consequence: missense variant. On other transcripts: non-coding transcript variant (1).
Genome position (GRCh38, 1-based): chr19:50,407,010, C>G. VCF-style: chr19-50407010-C-G. GRCh37 (hg19) VCF-style: chr19-50910267-C-G.
Other names: c.1522C>G, p.Leu508Val (NM_001256849.1, NM_001308632.1); short protein forms L508V.
Identifiers: ClinVar variation 1774454 (VCV001774454.4), dbSNP rs1601219061, ClinGen allele CA406980796.

ClinVar aggregate classification (germline): Uncertain significance. Review status: criteria provided, multiple submitters, no conflicts (2 of 4 stars). 2 submissions from 2 submitters: Uncertain significance (2). Last evaluated 2025-01-07.

Conditions:
Hereditary cancer-predisposing syndrome. Also called: Neoplastic Syndromes, Hereditary; Tumor predisposition; Hereditary neoplastic syndrome; Hereditary Cancer Syndrome. Identifiers: Orphanet 140162, MedGen C0027672, MeSH D009386, MONDO:0015356.
POLD1-related polyposis and colorectal cancer syndrome (CRCS10). Also called: COLORECTAL CANCER, SUSCEPTIBILITY TO, ON CHROMOSOME 19q; Colorectal cancer 10; Colorectal cancer, susceptibility to, 10. Identifiers: Orphanet 220460, MedGen C2675481, MONDO:0012953, OMIM 612591.

Submissions (2):

Labcorp Genetics (formerly Invitae), Labcorp
Classification: Uncertain significance for POLD1-related polyposis and colorectal cancer syndrome. Last evaluated: 2025-01-07. Review status: criteria provided, single submitter. Criteria: Invitae Variant Classification Sherloc (09022015). Collection method: clinical testing. Allele origin: germline.
Comment: This sequence change replaces leucine, which is neutral and non-polar, with valine, which is neutral and non-polar, at codon 508 of the POLD1 protein (p.Leu508Val). This variant is not present in population databases (gnomAD no frequency). This variant has not been reported in the literature in individuals affected with POLD1-related conditions. ClinVar contains an entry for this variant (Variation ID: 1774454). Invitae Evidence Modeling of protein sequence and biophysical properties (such as structural, functional, and spatial information, amino acid conservation, physicochemical variation, residue mobility, and thermodynamic stability) indicates that this missense variant is not expected to disrupt POLD1 protein function with a negative predictive value of 80%. In summary, the available evidence is currently insufficient to determine the role of this variant in disease. Therefore, it has been classified as a Variant of Uncertain Significance.

Ambry Genetics
Classification: Uncertain significance for Hereditary cancer-predisposing syndrome. Last evaluated: 2021-08-26. Review status: criteria provided, single submitter. Criteria: Ambry Variant Classification Scheme 2023. Collection method: clinical testing. Allele origin: germline.
Comment: The p.L508V variant (also known as c.1522C>G), located in coding exon 12 of the POLD1 gene, results from a C to G substitution at nucleotide position 1522. The leucine at codon 508 is replaced by valine, an amino acid with highly similar properties. This amino acid position is conserved. In addition, this alteration is predicted to be tolerated by in silico analysis. Since supporting evidence is limited at this time, the clinical significance of this alteration remains unclear.